The following is an entry in ClinVar:

ClinVar aggregate classification (germline): Uncertain significance (1 of 4 stars; one submission).

Conditions:
Hereditary cancer-predisposing syndrome. Also called: Neoplastic Syndromes, Hereditary; Tumor predisposition; Hereditary Cancer Syndrome; Hereditary neoplastic syndrome. Identifiers: Orphanet 140162, MedGen C0027672, MeSH D009386, MONDO:0015356.

gnomAD v4.1: 1 of 1,613,510 alleles (0.000062%); highest among the groups gnomAD compares: Admixed American, 0.0017%; no homozygotes.

Submission:

Ambry Genetics
Classification: Uncertain significance for Hereditary cancer-predisposing syndrome. Last evaluated: 2025-07-12. Review status: criteria provided, single submitter. Criteria: Ambry Variant Classification Scheme 2023. Collection method: clinical testing. Allele origin: germline.
Comment: The p.S1360I variant (also known as c.4079G>T), located in coding exon 26 of the ATM gene, results from a G to T substitution at nucleotide position 4079. The serine at codon 1360 is replaced by isoleucine, an amino acid with dissimilar properties. This amino acid position is conserved. In addition, this alteration is predicted to be tolerated by in silico analysis. Since supporting evidence is limited at this time, the clinical significance of this alteration remains unclear.

NM_000051.4(ATM):c.4079G>T (p.Ser1360Ile)

Gene: ATM (ATM serine/threonine kinase; plus strand). Cytogenetic location: 11q22.3.
Variant type: single nucleotide variant.
Coding change: c.4079G>T on transcript NM_000051.4 (MANE Select); coding-DNA position 4079, G replaced by T.
Protein change: p.Ser1360Ile; replaces serine 1360 with isoleucine.
Molecular consequence: missense variant.
Genome position (GRCh38, 1-based): chr11:108,287,685, G>T. VCF-style: chr11-108287685-G-T. GRCh37 (hg19) VCF-style: chr11-108158412-G-T.
Other names: c.4079G>T, p.Ser1360Ile (NM_001351834.2); short protein forms S1360I.
Identifiers: ClinVar variation 1737601 (VCV001737601.3), dbSNP rs764564211, ClinGen allele CA6265392.